The following is an entry in ClinVar:

NM_194302.4(CFAP65):c.3031T>A (p.Ser1011Thr)

Gene: CFAP65 (cilia and flagella associated protein 65; minus strand). Cytogenetic location: 2q35.
Variant type: single nucleotide variant.
Coding change: c.3031T>A on transcript NM_194302.4 (MANE Select); coding-DNA position 3031, T replaced by A.
Protein change: p.Ser1011Thr; replaces serine 1011 with threonine.
Molecular consequence: missense variant.
Genome position (GRCh38, 1-based): chr2:219,021,879, A>T on the plus strand (T>A on the coding strand, the complement: CFAP65 is on the minus strand). VCF-style: chr2-219021879-A-T. GRCh37 (hg19) VCF-style: chr2-219886601-A-T.
Other names: short protein forms S1011T.
Identifiers: ClinVar variation 1050493 (VCV001050493.1), dbSNP rs1362260844, ClinGen allele CA350599153.

ClinVar aggregate classification (germline): Uncertain significance (0 of 4 stars; one submission).

Allele frequency attached by ClinVar (database versions not stated): gnomAD exomes below 0.00001; TOPMed below 0.00001.
gnomAD v4.1: 2 of 1,613,818 alleles (0.00012%); highest among the groups gnomAD compares: Admixed American, 0.0017%; no homozygotes.

Submission:

Department of Pathology and Laboratory Medicine, Sinai Health System
Classification: Uncertain significance. Review status: no assertion criteria provided. Collection method: clinical testing. Allele origin: unknown. Affected: yes. Study: The Canadian Open Genetics Repository (COGR).
Comment: The CFAP65 p.S1011T variant was not identified in the literature nor was it identified in ClinVar. The variant was identified in dbSNP (ID: rs1362260844) and in control databases in 1 of 251412 chromosomes at a frequency of 0.000003978 (Genome Aggregation Database March 6, 2019, v2.1.1). The p.S1011 residue is not conserved in mammals and computational analyses (MUT Assesor, SIFT, MutationTaster, Revel, FATHMM, MetaLR, DANN) do not suggest a high likelihood of impact to the protein; however this information is not predictive enough to rule out pathogenicity.Â¬â€ The variant occurs outside of the splicing consensus sequence and in silico or computational prediction software programs (Splice AI exome) do not predict a difference in splicing.Â¬â€ In summary, based on the above information the clinical significance of this variant cannot be determined with certainty at this time. This variant is classified as a variant of uncertain significance.